The following is an entry in ClinVar:

ClinVar aggregate classification (germline): Uncertain significance. Review status: criteria provided, multiple submitters, no conflicts (2 of 4 stars). 2 submissions from 2 submitters: Uncertain significance (2). Last evaluated 2025-05-27.

Allele frequency attached by ClinVar (database versions not stated): ExAC 0.00012; ESP Exome Variant Server 0.00033; gnomAD 0.00038; TOPMed 0.00051; 1000 Genomes Project 30x 0.00109; 1000 Genomes Project 0.00140.
gnomAD v4.1: 155 of 1,613,938 alleles (0.0096%); highest among the groups gnomAD compares: African/African-American, 0.16%; no homozygotes.

Submissions (2):

Labcorp Genetics (formerly Invitae), Labcorp
Classification: Uncertain significance. Last evaluated: 2025-05-27. Review status: criteria provided, single submitter. Criteria: Invitae Variant Classification Sherloc (09022015). Collection method: clinical testing. Allele origin: germline.
Comment: This sequence change replaces proline, which is neutral and non-polar, with leucine, which is neutral and non-polar, at codon 176 of the FMN1 protein (p.Pro176Leu). This variant is present in population databases (rs138694930, gnomAD 0.2%), and has an allele count higher than expected for a pathogenic variant. This variant has not been reported in the literature in individuals affected with FMN1-related conditions. ClinVar contains an entry for this variant (Variation ID: 595701). Experimental studies and prediction algorithms are not available or were not evaluated, and the functional significance of this variant is currently unknown. In summary, the available evidence is currently insufficient to determine the role of this variant in disease. Therefore, it has been classified as a Variant of Uncertain Significance.

Eurofins Ntd Llc (ga)
Classification: Uncertain significance. Last evaluated: 2018-01-24. Review status: criteria provided, single submitter. Criteria: EGL Classification Definitions 2015. Collection method: clinical testing. Allele origin: germline. Observed: 1 variant allele, 1 heterozygote.

NM_001277313.2(FMN1):c.2044-2284C>T

Gene: FMN1 (formin 1; minus strand). Cytogenetic location: 15q13.3.
Variant type: single nucleotide variant.
Coding change: c.2044-2284C>T on transcript NM_001277313.2 (MANE Select); 2284 bases into the intron before coding-DNA position 2044, C replaced by T.
Molecular consequence: intron variant. On other transcripts: missense variant (1).
Genome position (GRCh38, 1-based): chr15:33,067,358, G>A on the plus strand (C>T on the coding strand, the complement: FMN1 is on the minus strand). VCF-style: chr15-33067358-G-A. GRCh37 (hg19) VCF-style: chr15-33359559-G-A.
Other names: c.527C>T, p.Pro176Leu (NM_001103184.4); short protein forms P176L.
Identifiers: ClinVar variation 595701 (VCV000595701.10), dbSNP rs138694930, ClinGen allele CA7457326.